The following is an entry in ClinVar:

NM_006364.4(SEC23A):c.281T>C (p.Phe94Ser)

Gene: SEC23A (SEC23 homolog A, COPII component; minus strand). Cytogenetic location: 14q21.1.
Variant type: single nucleotide variant.
Coding change: c.281T>C on transcript NM_006364.4 (MANE Select); coding-DNA position 281, T replaced by C.
Protein change: p.Phe94Ser; replaces phenylalanine 94 with serine.
Molecular consequence: missense variant.
Genome position (GRCh38, 1-based): chr14:39,092,626, A>G on the plus strand (T>C on the coding strand, the complement: SEC23A is on the minus strand). VCF-style: chr14-39092626-A-G. GRCh37 (hg19) VCF-style: chr14-39561830-A-G.
Other names: short protein forms F94S.
Identifiers: ClinVar variation 2110245 (VCV002110245.4), dbSNP rs1594483924, ClinGen allele CA389537204.
Genomic context (GRCh38, chr14:39,092,626, plus strand): 5'-AACTGAGGTAAAAGTTCAGCAGGCTGATTCAGTTCAGATATACCAGCATAACTAGGTGGA[A>G]ACTACAAATAGAAAACAAACAAAAATTTTTAACAAATTATAGGCTAGAAAGATTAATAAA-3'
Protein context (NP_006355.2, residues 84-104): ACNFCYQRNQ[Phe94Ser]PPSYAGISEL

ClinVar aggregate classification (germline): Uncertain significance (1 of 4 stars; one submission).

Conditions:
Craniolenticulosutural dysplasia (CLSD). Also called: BOYADJIEV-JABS SYNDROME. Identifiers: Orphanet 50814, MedGen C1843042, MONDO:0011911, OMIM 607812.

Submission:

Labcorp Genetics (formerly Invitae), Labcorp
Classification: Uncertain significance for Craniolenticulosutural dysplasia. Last evaluated: 2022-04-16. Review status: criteria provided, single submitter. Criteria: Invitae Variant Classification Sherloc (09022015). Collection method: clinical testing. Allele origin: germline.
Comment: In summary, the available evidence is currently insufficient to determine the role of this variant in disease. Therefore, it has been classified as a Variant of Uncertain Significance. Algorithms developed to predict the effect of missense changes on protein structure and function are either unavailable or do not agree on the potential impact of this missense change (SIFT: "Not Available"; PolyPhen-2: "Probably Damaging"; Align-GVGD: "Not Available"). This variant has not been reported in the literature in individuals affected with SEC23A-related conditions. This variant is not present in population databases (gnomAD no frequency). This sequence change replaces phenylalanine, which is neutral and non-polar, with serine, which is neutral and polar, at codon 94 of the SEC23A protein (p.Phe94Ser).